The following is an entry in ClinVar:

ClinVar aggregate classification (germline): Uncertain significance (1 of 4 stars; one submission).

Allele frequency attached by ClinVar (database versions not stated): gnomAD exomes 0.00012.

Submission:

Labcorp Genetics (formerly Invitae), Labcorp
Classification: Uncertain significance. Last evaluated: 2021-09-03. Review status: criteria provided, single submitter. Criteria: Invitae Variant Classification Sherloc (09022015). Collection method: clinical testing. Allele origin: germline.
Comment: This variant, c.136_137insACTTCGGCGGTGGCA, is a complex sequence change that results in the insertion of 6 amino acid(s) in the FAM46A protein (p.Gly46delinsAspPheGlyGlyGlySer). This variant is not present in population databases (ExAC no frequency). This variant has not been reported in the literature in individuals affected with FAM46A-related conditions. Experimental studies and prediction algorithms are not available or were not evaluated, and the functional significance of this variant is currently unknown. In summary, the available evidence is currently insufficient to determine the role of this variant in disease. Therefore, it has been classified as a Variant of Uncertain Significance.

NM_017633.3(TENT5A):c.136_137insACTTCGGCGGTGGCA (p.Gly46delinsAspPheGlyGlyGlySer)

Gene: TENT5A (terminal nucleotidyltransferase 5A; minus strand). Cytogenetic location: 6q14.1.
Variant type: Insertion.
Coding change: c.136_137insACTTCGGCGGTGGCA on transcript NM_017633.3 (MANE Select); coding-DNA positions 136 to 137, ACTTCGGCGGTGGCA inserted.
Protein change: p.Gly46delinsAspPheGlyGlyGlySer.
Molecular consequence: inframe indel.
Genome position: GRCh38 VCF-style: chr6-81752005-C-CTGCCACCGCCGAAGT. GRCh37 (hg19) VCF-style: chr6-82461722-C-CTGCCACCGCCGAAGT.
Identifiers: ClinVar variation 1680611 (VCV001680611.3), dbSNP rs1554200526, ClinGen allele CA568601202.